The following is an entry in ClinVar:

NM_004260.4(RECQL4):c.3344_3370del (p.Glu1115_Gln1123del)

Gene: RECQL4 (RecQ like helicase 4; minus strand). Cytogenetic location: 8q24.3.
Variant type: Deletion.
Coding change: c.3344_3370del on transcript NM_004260.4 (MANE Select); coding-DNA positions 3344 to 3370, 27 bases deleted (AGCCGGGAGGCATGGAGGACGCACAGG).
Protein change: p.Glu1115_Gln1123del.
Molecular consequence: inframe deletion.
Genome position (GRCh38, 1-based): chr8:144,511,934-144,511,960, CCTGTGCGTCCTCCATGCCTCCCGGCT deleted on the plus strand (AGCCGGGAGGCATGGAGGACGCACAGG on the coding strand, the reverse complement: RECQL4 is on the minus strand); deleting any 27 consecutive bases within chr8:144,511,934-144,511,964 gives the same sequence; the c. name uses the placement nearest the transcript's 3' end. VCF-style (leftmost placement, unchanged base first): chr8-144511933-CCCTGTGCGTCCTCCATGCCTCCCGGCT-C. GRCh37 (hg19) VCF-style: chr8-145737316-CCCTGTGCGTCCTCCATGCCTCCCGGCT-C.
Identifiers: ClinVar variation 1434507 (VCV001434507.8), dbSNP rs1827291045, ClinGen allele CA1826365472.

ClinVar aggregate classification (germline): Uncertain significance (1 of 4 stars; one submission).

Conditions:
Baller-Gerold syndrome (BGS). Also called: CRANIOSYNOSTOSIS WITH RADIAL DEFECTS. Identifiers: Orphanet 1225, MedGen C0265308, MONDO:0009039, OMIM 218600.

Submission:

Labcorp Genetics (formerly Invitae), Labcorp
Classification: Uncertain significance for Baller-Gerold syndrome. Last evaluated: 2023-05-17. Review status: criteria provided, single submitter. Criteria: Invitae Variant Classification Sherloc (09022015). Collection method: clinical testing. Allele origin: germline.
Comment: This variant, c.3344_3370del, results in the deletion of 9 amino acid(s) of the RECQL4 protein (p.Glu1115_Gln1123del), but otherwise preserves the integrity of the reading frame. This variant is not present in population databases (gnomAD no frequency). This variant has not been reported in the literature in individuals affected with RECQL4-related conditions. ClinVar contains an entry for this variant (Variation ID: 1434507). In summary, the available evidence is currently insufficient to determine the role of this variant in disease. Therefore, it has been classified as a Variant of Uncertain Significance. Experimental studies and prediction algorithms are not available or were not evaluated, and the functional significance of this variant is currently unknown.